The following is an entry in ClinVar:

ClinVar aggregate classification (germline): Uncertain significance (1 of 4 stars; one submission).

Allele frequency attached by ClinVar (database versions not stated): gnomAD exomes below 0.00001.

Submission:

Labcorp Genetics (formerly Invitae), Labcorp
Classification: Uncertain significance. Last evaluated: 2021-06-05. Review status: criteria provided, single submitter. Criteria: Invitae Variant Classification Sherloc (09022015). Collection method: clinical testing. Allele origin: germline.
Comment: This sequence change falls in intron 3 of the NACC1 gene. It does not directly change the encoded amino acid sequence of the NACC1 protein. It affects a nucleotide within the consensus splice site of the intron. This variant is not present in population databases (ExAC no frequency). This variant has not been reported in the literature in individuals with NACC1-related conditions. Nucleotide substitutions within the consensus splice site are a relatively common cause of aberrant splicing (PMID: 17576681, 9536098). Algorithms developed to predict the effect of sequence changes on RNA splicing suggest that this variant is not likely to affect RNA splicing, but this prediction has not been confirmed by published transcriptional studies. In summary, the available evidence is currently insufficient to determine the role of this variant in disease. Therefore, it has been classified as a Variant of Uncertain Significance.

Literature cited by the submitters: PubMed 17576681; PubMed 9536098.

NM_052876.4(NACC1):c.1120+3G>A

Gene: NACC1 (nucleus accumbens associated 1; plus strand). Cytogenetic location: 19p13.13.
Variant type: single nucleotide variant.
Coding change: c.1120+3G>A on transcript NM_052876.4 (MANE Select); 3 bases into the intron after coding-DNA position 1120, G replaced by A.
Molecular consequence: intron variant.
Genome position (GRCh38, 1-based): chr19:13,136,408, G>A. VCF-style: chr19-13136408-G-A. GRCh37 (hg19) VCF-style: chr19-13247222-G-A.
Identifiers: ClinVar variation 1471367 (VCV001471367.6), dbSNP rs1568386093, ClinGen allele CA632122755.